The following is an entry in ClinVar:

NM_000059.4(BRCA2):c.80T>G (p.Ile27Arg)

Gene: BRCA2 (BRCA2 DNA repair associated; plus strand). Cytogenetic location: 13q13.1.
Variant type: single nucleotide variant.
Coding change: c.80T>G on transcript NM_000059.4 (MANE Select); coding-DNA position 80, T replaced by G.
Protein change: p.Ile27Arg; replaces isoleucine 27 with arginine.
Molecular consequence: missense variant.
Genome position (GRCh38, 1-based): chr13:32,319,089, T>G. VCF-style: chr13-32319089-T-G. GRCh37 (hg19) VCF-style: chr13-32893226-T-G.
Other names: c.80T>G, p.Ile27Arg (NM_001406719.1, NM_001406720.1, NM_001406721.1); c.-290T>G (NM_001406722.1); short protein forms I27R.
Identifiers: ClinVar variation 1762005 (VCV001762005.2), dbSNP rs2548511097, ClinGen allele CA387754059.
Genomic context (GRCh38, chr13:32,319,089, plus strand): 5'-TTTGTCTGTCACTGGTTAAAACTAAGGTGGGATTTTTTTTTTAAATAGATTTAGGACCAA[T>G]AAGTCTTAATTGGTTTGAAGAACTTTCTTCAGAAGCTCCACCCTATAATTCTGAACCTGC-3'
Protein context (NP_000050.3, residues 17-37): TRCNKADLGP[Ile27Arg]SLNWFEELSS

ClinVar aggregate classification (germline): Uncertain significance (1 of 4 stars; one submission).

Conditions:
Hereditary cancer-predisposing syndrome. Also called: Neoplastic Syndromes, Hereditary; Tumor predisposition; Hereditary Cancer Syndrome; Hereditary neoplastic syndrome. Identifiers: Orphanet 140162, MedGen C0027672, MeSH D009386, MONDO:0015356.

Submission:

Ambry Genetics
Classification: Uncertain significance for Hereditary cancer-predisposing syndrome. Last evaluated: 2019-09-24. Review status: criteria provided, single submitter. Criteria: Ambry Variant Classification Scheme 2023. Collection method: clinical testing. Allele origin: germline.
Comment: The p.I27R variant (also known as c.80T>G), located in coding exon 2 of the BRCA2 gene, results from a T to G substitution at nucleotide position 80. The isoleucine at codon 27 is replaced by arginine, an amino acid with similar properties. This amino acid position is well conserved in available vertebrate species. In addition, this alteration is predicted to be tolerated by in silico analysis. Since supporting evidence is limited at this time, the clinical significance of this alteration remains unclear.